The following is an entry in ClinVar:

ClinVar aggregate classification (germline): Pathogenic. Review status: criteria provided, multiple submitters, no conflicts (2 of 4 stars). 6 submissions from 6 submitters: Pathogenic (4). 2 of the submissions do not count toward it. Last evaluated 2025-09-20.

Conditions:
Merosin deficient congenital muscular dystrophy (MDC1A). Also called: Congenital merosin-deficient muscular dystrophy 1A; Congenital Muscular Dystrophy Type 1A (MDC1A). Identifiers: Orphanet 258, MedGen C1263858, MONDO:0011925, OMIM 607855.
Muscular dystrophy, limb-girdle, autosomal recessive 23. Identifiers: Orphanet 565837, MedGen C4748327, MONDO:0029136, OMIM 618138.
LAMA2-related muscular dystrophy (LAMA2-RD). Also called: Laminin alpha 2-related dystrophy. Identifiers: MedGen C5679788, MONDO:0100228.
Congenital muscular dystrophy due to partial LAMA2 deficiency. Identifiers: MedGen C1842898.

Allele frequency attached by ClinVar (database versions not stated): ExAC 0.00002; gnomAD exomes 0.00001; gnomAD 0.00001; 1000 Genomes Project 30x 0.00016; TOPMed 0.00002; 1000 Genomes Project 0.00020.
gnomAD v4.1: 9 of 1,614,044 alleles (0.00056%); highest among the groups gnomAD compares: South Asian, 0.0066%; no homozygotes.

Submissions (6):

Labcorp Genetics (formerly Invitae), Labcorp
Classification: Pathogenic for LAMA2-related muscular dystrophy. Last evaluated: 2025-09-20. Review status: criteria provided, single submitter. Criteria: Invitae Variant Classification Sherloc (09022015). Collection method: clinical testing. Allele origin: germline.
Comment: This sequence change creates a premature translational stop signal (p.Arg1549*) in the LAMA2 gene. It is expected to result in an absent or disrupted protein product. Loss-of-function variants in LAMA2 are known to be pathogenic (PMID: 18700894, 32904964). This variant is present in population databases (rs121913575, gnomAD 0.006%). This premature translational stop signal has been observed in individual(s) with LAMA2-related conditions (PMID: 10852549, 20207543). ClinVar contains an entry for this variant (Variation ID: 14299). For these reasons, this variant has been classified as Pathogenic.

3billion
Classification: Pathogenic for Merosin deficient congenital muscular dystrophy. Last evaluated: 2025-07-22. Review status: criteria provided, single submitter. Criteria: ACMG Guidelines, 2015. Collection method: clinical testing. Allele origin: germline. Affected: yes.
Comment: The variant is observed at an extremely low frequency in the gnomAD v4.1.0 dataset (total allele frequency: <0.001%). Predicted Consequence/Location: Stop-gained (nonsense): predicted to result in a loss or disruption of normal protein function through nonsense-mediated decay (NMD) or protein truncation. Multiple pathogenic variants are reported downstream of the variant. The variant has been reported at least twice as pathogenic with clinical assertions and evidence for the classification (ClinVar ID: VCV000014299 /PMID: 10852549 /3billion dataset). Therefore, this variant is classified as Pathogenic according to the recommendation of ACMG/AMP guideline.

Baylor Genetics
Classification: Pathogenic for Merosin deficient congenital muscular dystrophy. Last evaluated: 2023-12-24. Review status: criteria provided, single submitter. Criteria: ACMG Guidelines, 2015. Collection method: clinical testing. Allele origin: unknown.

Department of Pathology and Laboratory Medicine, Sinai Health System
Classification: Pathogenic for Merosin deficient congenital muscular dystrophy; Muscular dystrophy, limb-girdle, autosomal recessive 23. Last evaluated: 2023-10-11. Review status: criteria provided, single submitter. Criteria: ACMG Guidelines, 2015. Collection method: research. Allele origin: germline.

Counsyl
Classification: Pathogenic for Merosin deficient congenital muscular dystrophy. Last evaluated: 2018-05-23. Review status: no assertion criteria provided. Collection method: clinical testing. Allele origin: unknown. Not counted in ClinVar's aggregate classification.

OMIM
Classification: Pathogenic for MUSCULAR DYSTROPHY, CONGENITAL, DUE TO PARTIAL LAMA2 DEFICIENCY. Last evaluated: 2000-10-24. Review status: no assertion criteria provided. Collection method: literature only. Allele origin: germline. Not counted in ClinVar's aggregate classification.

Literature cited by the submitters: PubMed 18700894 (cited by Labcorp Genetics (formerly Invitae), Labcorp); PubMed 32904964 (cited by Labcorp Genetics (formerly Invitae), Labcorp); PubMed 10852549 (cited by Labcorp Genetics (formerly Invitae), Labcorp and 3billion); PubMed 20207543 (cited by Labcorp Genetics (formerly Invitae), Labcorp and Counsyl); PubMed 27159402 (cited by Counsyl); PubMed 11071490 (cited by OMIM).

NM_000426.4(LAMA2):c.4645C>T (p.Arg1549Ter)

Gene: LAMA2 (laminin subunit alpha 2; plus strand). Cytogenetic location: 6q22.33.
Variant type: single nucleotide variant.
Coding change: c.4645C>T on transcript NM_000426.4 (MANE Select); coding-DNA position 4645, C replaced by T.
Protein change: p.Arg1549Ter; replaces arginine 1549 with a stop codon.
Molecular consequence: nonsense.
Genome position (GRCh38, 1-based): chr6:129,353,285, C>T. VCF-style: chr6-129353285-C-T. GRCh37 (hg19) VCF-style: chr6-129674430-C-T.
Other names: c.4645C>T, p.Arg1549Ter (NM_001079823.2); short protein forms R1549*.
Identifiers: ClinVar variation 14299 (VCV000014299.16), dbSNP rs121913575, ClinGen allele CA123848.